The following is an entry in ClinVar:

NM_013447.4(ADGRE2):c.1109A>G (p.Gln370Arg)

Gene: ADGRE2 (adhesion G protein-coupled receptor E2; minus strand). Cytogenetic location: 19p13.12.
Variant type: single nucleotide variant.
Coding change: c.1109A>G on transcript NM_013447.4 (MANE Select); coding-DNA position 1109, A replaced by G.
Protein change: p.Gln370Arg; replaces glutamine 370 with arginine.
Molecular consequence: missense variant.
Genome position (GRCh38, 1-based): chr19:14,756,321, T>C on the plus strand (A>G on the coding strand, the complement: ADGRE2 is on the minus strand). VCF-style: chr19-14756321-T-C. GRCh37 (hg19) VCF-style: chr19-14867133-T-C.
Other names: c.1109A>G, p.Gln370Arg (NM_001271052.1); c.962A>G, p.Gln321Arg (NM_152916.2); c.830A>G, p.Gln277Arg (NM_152917.2); short protein forms Q277R, Q321R, Q370R.
Identifiers: ClinVar variation 2896868 (VCV002896868.3), dbSNP rs573367482, ClinGen allele CA9257794.

ClinVar aggregate classification (germline): Uncertain significance (1 of 4 stars; one submission).

Allele frequency attached by ClinVar (database versions not stated): gnomAD 0.00001; ExAC 0.00002; gnomAD exomes 0.00002; 1000 Genomes Project 30x 0.00016; 1000 Genomes Project 0.00020.
gnomAD v4.1: 14 of 1,614,074 alleles (0.00087%); highest among the groups gnomAD compares: East Asian, 0.031%; no homozygotes.

Submission:

Labcorp Genetics (formerly Invitae), Labcorp
Classification: Uncertain significance. Last evaluated: 2023-09-08. Review status: criteria provided, single submitter. Criteria: Invitae Variant Classification Sherloc (09022015). Collection method: clinical testing. Allele origin: germline.
Comment: This sequence change replaces glutamine, which is neutral and polar, with arginine, which is basic and polar, at codon 370 of the ADGRE2 protein (p.Gln370Arg). This variant is present in population databases (rs573367482, gnomAD 0.03%). This variant has not been reported in the literature in individuals affected with ADGRE2-related conditions. Algorithms developed to predict the effect of missense changes on protein structure and function output the following: SIFT: "Not Available"; PolyPhen-2: "Benign"; Align-GVGD: "Not Available". The arginine amino acid residue is found in multiple mammalian species, which suggests that this missense change does not adversely affect protein function. In summary, the available evidence is currently insufficient to determine the role of this variant in disease. Therefore, it has been classified as a Variant of Uncertain Significance.